The following is an entry in ClinVar:

NM_000088.4(COL1A1):c.4328C>T (p.Ala1443Val)

Gene: COL1A1 (collagen type I alpha 1 chain; minus strand). Cytogenetic location: 17q21.33.
Variant type: single nucleotide variant.
Coding change: c.4328C>T on transcript NM_000088.4 (MANE Select); coding-DNA position 4328, C replaced by T.
Protein change: p.Ala1443Val; replaces alanine 1443 with valine.
Molecular consequence: missense variant.
Genome position (GRCh38, 1-based): chr17:50,185,569, G>A on the plus strand (C>T on the coding strand, the complement: COL1A1 is on the minus strand). VCF-style: chr17-50185569-G-A. GRCh37 (hg19) VCF-style: chr17-48262930-G-A.
Other names: short protein forms A1443V.
Identifiers: ClinVar variation 431035 (VCV000431035.16), dbSNP rs1131692326, ClinGen allele CA400190313.

ClinVar aggregate classification (germline): Pathogenic/Likely pathogenic. Review status: criteria provided, multiple submitters, no conflicts (2 of 4 stars). 5 submissions from 5 submitters: Pathogenic (2); Likely pathogenic (3). Last evaluated 2026-01-18.

Conditions:
Osteogenesis imperfecta type I (OI1). Also called: OI, TYPE I; OSTEOGENESIS IMPERFECTA TARDA; OSTEOGENESIS IMPERFECTA WITH BLUE SCLERAE; Osteogenesis imperfecta type 1; Classic Non-deforming Osteogenesis Imperfecta with Blue Sclerae; Lobstein's Disease. Identifiers: Orphanet 216796, Orphanet 666, MedGen C0023931, MONDO:0008146, OMIM 166200. Disease mechanism: loss of function.
Osteogenesis imperfecta with normal sclerae, dominant form (OI4). Also called: OSTEOGENESIS IMPERFECTA WITH NORMAL SCLERAE; Osteogenesis imperfecta type 4; OSTEOGENESIS IMPERFECTA, TYPE IV, WITH DENTINOGENESIS IMPERFECTA; Common Variable Osteogenesis Imperfecta with Normal Sclerae; Osteogenesis Imperfecta Type IV. Identifiers: Orphanet 216820, Orphanet 666, MedGen C0268363, MONDO:0008148, OMIM 166220.
COL1A1-related disorder. Also called: COL1A1-related condition; COL1A1- related disease.

Submissions (5):

Labcorp Genetics (formerly Invitae), Labcorp
Classification: Pathogenic for Osteogenesis imperfecta type I. Last evaluated: 2026-01-18. Review status: criteria provided, single submitter. Criteria: Invitae Variant Classification Sherloc (09022015). Collection method: clinical testing. Allele origin: germline.
Comment: This sequence change replaces alanine, which is neutral and non-polar, with valine, which is neutral and non-polar, at codon 1443 of the COL1A1 protein (p.Ala1443Val). This variant is not present in population databases (gnomAD no frequency). This missense change has been observed in individual(s) with clinical features of osteogenesis imperfecta and/or osteogenesis imperfecta (PMID: 30614853, 33939306; internal data). ClinVar contains an entry for this variant (Variation ID: 431035). Invitae Evidence Modeling of protein sequence and biophysical properties (such as structural, functional, and spatial information, amino acid conservation, physicochemical variation, residue mobility, and thermodynamic stability) indicates that this missense variant is expected to disrupt COL1A1 protein function with a positive predictive value of 95%. For these reasons, this variant has been classified as Pathogenic.

Clinical Biomedical Laboratory, Shriners Hospital For Children - Canada
Classification: Pathogenic for Osteogenesis imperfecta with normal sclerae, dominant form. Last evaluated: 2025-07-16. Review status: criteria provided, single submitter. Criteria: ACMG Guidelines, 2015. Collection method: clinical testing. Allele origin: germline. Affected: yes.
Comment: This variant substitutes an alanine residue by a valine residue. This variant is absent from the Genome Aggregation Database (v2.1.1). Computational tools (REVEL: 0.826) indicate that the variant is damaging to protein function. The variant is also highly conserved in evolution (PhyloP = 9.59). The variant affects the C-propeptide of the alpha 1 chain of collagen type I. C-propeptide mutations are a common cause of osteogenesis imperfecta, as they interfere with the association of alpha chains of collagen type I. This variant has been reported in the literature as a cause of osteogenesis imperfecta (PMID 33939306, 30614853). At the Shriners Molecular Diagnosis laboratory, we have previously seen this variant in two individuals who were diagnosed with osteogenesis imperfecta type IV.

PreventionGenetics, part of Exact Sciences
Classification: Likely pathogenic for COL1A1-related condition. Last evaluated: 2025-03-19. Review status: criteria provided, single submitter. Criteria: ACMG Guidelines, 2015. Collection method: clinical testing. Allele origin: germline.
Comment: The COL1A1 c.4328C>T variant is predicted to result in the amino acid substitution p.Ala1443Val. This variant has been reported in three individuals with osteogenesis imperfecta (Li et al. 2019. PubMed ID: 30614853; Higuchi et al. 2021. PubMed ID: 33939306). This variant has not been reported in a large population database, indicating this variant is rare. This variant is interpreted as likely pathogenic.

MVZ Martinsried, Medicover Genetics
Classification: Likely pathogenic for Osteogenesis imperfecta type I. Last evaluated: 2024-05-17. Review status: criteria provided, single submitter. Criteria: ACGS Guidelines, 2020. Collection method: clinical testing. Allele origin: unknown. Affected: yes.

MGZ Medical Genetics Center
Classification: Likely pathogenic for Osteogenesis imperfecta type I. Last evaluated: 2022-06-15. Review status: criteria provided, single submitter. Criteria: ACMG Guidelines, 2015. Collection method: clinical testing. Allele origin: germline. Affected: yes. Observed: 2 variant alleles.
Comment: ACMG criteria applied: PS4_MOD, PM1_SUP, PM2_SUP, PP2, PP3, PP4

Literature cited by the submitters: PubMed 30614853 (cited by Labcorp Genetics (formerly Invitae), Labcorp and Clinical Biomedical Laboratory, Shriners Hospital For Children - Canada); PubMed 33939306 (cited by Labcorp Genetics (formerly Invitae), Labcorp and Clinical Biomedical Laboratory, Shriners Hospital For Children - Canada).